The following is an entry in ClinVar:

NM_001367624.2(ZNF469):c.7291C>T (p.His2431Tyr)

Gene: ZNF469 (zinc finger protein 469; plus strand). Cytogenetic location: 16q24.2.
Variant type: single nucleotide variant.
Coding change: c.7291C>T on transcript NM_001367624.2 (MANE Select); coding-DNA position 7291, C replaced by T.
Protein change: p.His2431Tyr; replaces histidine 2431 with tyrosine.
Molecular consequence: missense variant.
Genome position (GRCh38, 1-based): chr16:88,434,761, C>T. VCF-style: chr16-88434761-C-T. GRCh37 (hg19) VCF-style: chr16-88501169-C-T.
Other names: NM_001127464.1:c.7207C>T; short protein forms H2431Y.
Identifiers: ClinVar variation 1396124 (VCV001396124.7), dbSNP rs904233607, ClinGen allele CA286382550.

ClinVar aggregate classification (germline): Uncertain significance. Review status: criteria provided, multiple submitters, no conflicts (2 of 4 stars). 2 submissions from 2 submitters: Uncertain significance (2). Last evaluated 2025-10-25.

Conditions:
Cardiovascular phenotype. Identifiers: MedGen CN230736.

Allele frequency attached by ClinVar (database versions not stated): gnomAD exomes below 0.00001 and 0.00001; gnomAD 0.00001; TOPMed 0.00001.
gnomAD v4.1: 5 of 1,550,286 alleles (0.00032%); highest among the groups gnomAD compares: Admixed American, 0.002%; no homozygotes.

Submissions (2):

Labcorp Genetics (formerly Invitae), Labcorp
Classification: Uncertain significance. Last evaluated: 2025-10-25. Review status: criteria provided, single submitter. Criteria: Invitae Variant Classification Sherloc (09022015). Collection method: clinical testing. Allele origin: germline.
Comment: This sequence change replaces histidine, which is basic and polar, with tyrosine, which is neutral and polar, at codon 2403 of the ZNF469 protein (p.His2403Tyr). This variant is present in population databases (no rsID available, gnomAD 0.004%). This variant has not been reported in the literature in individuals affected with ZNF469-related conditions. ClinVar contains an entry for this variant (Variation ID: 1396124). An algorithm developed to predict the effect of missense changes on protein structure and function outputs the following: PolyPhen-2: "Benign". The tyrosine amino acid residue is found in multiple mammalian species, which suggests that this missense change does not adversely affect protein function. In summary, the available evidence is currently insufficient to determine the role of this variant in disease. Therefore, it has been classified as a Variant of Uncertain Significance.

Ambry Genetics
Classification: Uncertain significance for Cardiovascular phenotype. Last evaluated: 2025-04-19. Review status: criteria provided, single submitter. Criteria: Ambry Variant Classification Scheme 2023. Collection method: clinical testing. Allele origin: germline.